The following is an entry in ClinVar:

NM_000304.4(PMP22):c.3G>T (p.Met1Ile)

Gene: PMP22 (peripheral myelin protein 22; minus strand). Cytogenetic location: 17p12.
Variant type: single nucleotide variant.
Coding change: c.3G>T on transcript NM_000304.4 (MANE Select); coding-DNA position 3, G replaced by T.
Protein change: p.Met1Ile; changes the start codon (methionine 1).
Molecular consequence: missense variant, initiator codon variant.
Genome position (GRCh38, 1-based): chr17:15,260,725, C>A on the plus strand (G>T on the coding strand, the complement: PMP22 is on the minus strand). VCF-style: chr17-15260725-C-A. GRCh37 (hg19) VCF-style: chr17-15164042-C-A.
Other names: c.3G>T, p.Met1Ile (NM_001281455.2, NM_001281456.2, NM_001330143.2 and 2 more transcripts); short protein forms M1I.
Identifiers: ClinVar variation 4682163 (VCV004682163.1).

ClinVar aggregate classification (germline): Uncertain significance (1 of 4 stars; one submission).

Submission:

Athena Diagnostics
Classification: Uncertain significance. Last evaluated: 2024-12-27. Review status: criteria provided, single submitter. Criteria: Athena Diagnostics Criteria. Collection method: clinical testing. Allele origin: unknown.
Comment: Available data are insufficient to determine the clinical significance of the variant at this time. This variant has not been reported in large, multi-ethnic general populations. Although this variant disrupts a start codon, there is a downstream methionine codon that could be used to rescue protein synthesis.